The following is an entry in ClinVar:

NM_005535.3(IL12RB1):c.65-2A>G

Gene: IL12RB1 (interleukin 12 receptor subunit beta 1; minus strand). Cytogenetic location: 19p13.11.
Variant type: single nucleotide variant.
Coding change: c.65-2A>G on transcript NM_005535.3 (MANE Select); the canonical splice acceptor site of the intron before coding-DNA position 65, A replaced by G.
Molecular consequence: splice acceptor variant.
Genome position (GRCh38, 1-based): chr19:18,083,493, T>C on the plus strand (A>G on the coding strand, the complement: IL12RB1 is on the minus strand). VCF-style: chr19-18083493-T-C. GRCh37 (hg19) VCF-style: chr19-18194303-T-C.
Other names: c.185-2A>G (NM_001290024.2, NM_001440427.1, NM_001440426.1); c.65-2A>G (NM_001290023.2, NM_001440425.1, NM_001440424.1 and 1 more transcripts).
Identifiers: ClinVar variation 4987709 (VCV004987709.1).

ClinVar aggregate classification (germline): Uncertain significance (1 of 4 stars; one submission).

Conditions:
IL12RB1-related disorder. Also called: IL12RB1-related condition.

Submission:

PreventionGenetics, part of Exact Sciences
Classification: Uncertain significance for IL12RB1-related condition. Last evaluated: 2025-10-24. Review status: criteria provided, single submitter. Criteria: ACMG Guidelines, 2015. Collection method: clinical testing. Allele origin: germline.
Comment: The IL12RB1 c.65-2A>G variant is predicted to disrupt the AG splice acceptor site and interfere with normal splicing. However, this exon is in-frame and, if skipped, may result in an in-frame deletion rather than a protein truncation. To our knowledge, this variant has not been reported in the literature or in a large population database (gnomAD), indicating this variant is rare. Although we suspect that this variant may be pathogenic, the clinical significance of this variant is currently classified as uncertain due to the absence of conclusive genetic or functional evidence.